The following is an entry in ClinVar:

NM_005529.7(HSPG2):c.10025G>A (p.Arg3342Lys)

Gene: HSPG2 (heparan sulfate proteoglycan 2; minus strand). Cytogenetic location: 1p36.12.
Variant type: single nucleotide variant.
Coding change: c.10025G>A on transcript NM_005529.7 (MANE Select); coding-DNA position 10025, G replaced by A.
Protein change: p.Arg3342Lys; replaces arginine 3342 with lysine.
Molecular consequence: missense variant.
Genome position (GRCh38, 1-based): chr1:21,838,950, C>T on the plus strand (G>A on the coding strand, the complement: HSPG2 is on the minus strand). VCF-style: chr1-21838950-C-T. GRCh37 (hg19) VCF-style: chr1-22165443-C-T.
Other names: c.10028G>A, p.Arg3343Lys (NM_001291860.2); short protein forms R3342K, R3343K.
Identifiers: ClinVar variation 722168 (VCV000722168.11), dbSNP rs570850437, ClinGen allele CA670252.

ClinVar aggregate classification (germline): Conflicting classifications of pathogenicity. Review status: criteria provided, conflicting classifications (1 of 4 stars). 4 submissions from 4 submitters: Uncertain significance (2); Benign (1); Likely benign (1). Last evaluated 2026-06-01.

Conditions:
Schwartz-Jampel syndrome type 1 (SJS1). Also called: MYOTONIC MYOPATHY, DWARFISM, CHONDRODYSTROPHY, AND OCULAR AND FACIAL ABNORMALITIES; CHONDRODYSTROPHIC MYOTONIA. Identifiers: MedGen C4551479, MONDO:0100435, OMIM 255800.

Allele frequency attached by ClinVar (database versions not stated): gnomAD below 0.00001 and 0.00014; TOPMed 0.00005; gnomAD exomes 0.00019 and 0.00041; ExAC 0.00049; 1000 Genomes Project 30x 0.00094; 1000 Genomes Project 0.00120.
gnomAD v4.1: 299 of 1,612,672 alleles (0.019%); highest among the groups gnomAD compares: South Asian, 0.32%; 5 homozygotes.

Submissions (4):

CeGaT Center for Human Genetics Tuebingen
Classification: Likely benign. Last evaluated: 2026-06-01. Review status: criteria provided, single submitter. Criteria: CeGaT Center For Human Genetics Tuebingen Variant Classification Criteria Version 2. Collection method: clinical testing. Allele origin: germline. Affected: yes. Observed: 1 variant allele.
Comment: HSPG2: BP4

Labcorp Genetics (formerly Invitae), Labcorp
Classification: Benign. Last evaluated: 2025-12-15. Review status: criteria provided, single submitter. Criteria: Invitae Variant Classification Sherloc (09022015). Collection method: clinical testing. Allele origin: germline.

Revvity Omics, Revvity
Classification: Uncertain significance. Last evaluated: 2020-09-29. Review status: criteria provided, single submitter. Criteria: ACMG Guidelines, 2015. Collection method: clinical testing. Allele origin: germline.

Neuberg Centre For Genomic Medicine, NCGM
Classification: Uncertain significance for Schwartz-Jampel syndrome type 1. Review status: criteria provided, single submitter. Criteria: ACMG Guidelines, 2015. Collection method: clinical testing. Allele origin: germline. Inheritance: Autosomal recessive inheritance. Affected: yes.
Comment: The missense variant c.10028G>A (p.Arg3343Lys) in HSPG2 gene has not been reported previously as a pathogenic variant nor as a benign variant, to our knowledge. The p.Arg3343Lys variant is novel (not in any individuals) in 1000 Genomes and allele frequency of 0.04061% is reported in gnomAD. The amino acid Arg at position 3343 is changed to a Lys changing protein sequence and it might alter its composition and physico-chemical properties. In silico tools predict the variant to be tolerated. The residue is conserved across species. The amino acid change p.Arg3343Lys in HSPG2 is predicted as conserved by GERP++ and PhyloP across 100 vertebrates. For these reasons, this variant has been classified as Uncertain Significance.